The following is an entry in ClinVar:

ClinVar aggregate classification (germline): Uncertain significance (1 of 4 stars; one submission).

Conditions:
Hereditary cancer-predisposing syndrome. Also called: Neoplastic Syndromes, Hereditary; Tumor predisposition; Hereditary neoplastic syndrome; Hereditary Cancer Syndrome. Identifiers: Orphanet 140162, MedGen C0027672, MeSH D009386, MONDO:0015356.

Submission:

Ambry Genetics
Classification: Uncertain significance for Hereditary cancer-predisposing syndrome. Last evaluated: 2026-07-07. Review status: criteria provided, single submitter. Criteria: Ambry Variant Classification Scheme 2023. Collection method: clinical testing. Allele origin: germline.
Comment: The p.A2128P variant (also known as c.6382G>C), located in coding exon 15 of the APC gene, results from a G to C substitution at nucleotide position 6382. The alanine at codon 2128 is replaced by proline, an amino acid with highly similar properties. This amino acid position is conserved. In addition, in silico predictors for this gene do not accurately predict pathogenicity. Based on the available evidence, the clinical significance of this variant remains unclear.

NM_000038.6(APC):c.6382G>C (p.Ala2128Pro)

Gene: APC (APC regulator of Wnt signaling pathway; plus strand). Cytogenetic location: 5q22.2.
Variant type: single nucleotide variant.
Coding change: c.6382G>C on transcript NM_000038.6 (MANE Select); coding-DNA position 6382, G replaced by C.
Protein change: p.Ala2128Pro; replaces alanine 2128 with proline.
Molecular consequence: missense variant. On other transcripts: non-coding transcript variant (2).
Genome position (GRCh38, 1-based): chr5:112,841,976, G>C. VCF-style: chr5-112841976-G-C. GRCh37 (hg19) VCF-style: chr5-112177673-G-C.
Other names: c.6307G>C, p.Ala2103Pro (NM_001354898.2); c.6298G>C, p.Ala2100Pro (NM_001354899.2); c.6259G>C, p.Ala2087Pro (NM_001354900.2); c.6205G>C, p.Ala2069Pro (NM_001354901.2, NM_001407453.1); c.6109G>C, p.Ala2037Pro (NM_001354902.2); c.6079G>C, p.Ala2027Pro (NM_001354903.2, NM_001407458.1, NM_001407459.1 and 1 more transcripts); c.6004G>C, p.Ala2002Pro (NM_001354904.2); c.5902G>C, p.Ala1968Pro (NM_001354905.2); and 11 more; short protein forms A2100P, A2121P, A2146P, A2156P, A1845P, A2002P, A2027P, A2037P.
Identifiers: ClinVar variation 5025284 (VCV005025284.1).